The following is an entry in ClinVar:

NM_000038.6(APC):c.573T>C (p.Tyr191=)

Gene: APC (APC regulator of Wnt signaling pathway; plus strand). Cytogenetic location: 5q22.2.
Variant type: single nucleotide variant.
Coding change: c.573T>C on transcript NM_000038.6 (MANE Select); coding-DNA position 573, T replaced by C.
Protein change: p.Tyr191=; no amino-acid change (tyrosine 191 retained).
Molecular consequence: synonymous variant. On other transcripts: 5 prime UTR variant (1).
Genome position (GRCh38, 1-based): chr5:112,780,831, T>C. VCF-style: chr5-112780831-T-C. GRCh37 (hg19) VCF-style: chr5-112116528-T-C.
Other names: c.573T>C, p.Tyr191= (NM_001127510.3, NM_001354895.2, NM_001354896.2 and 2 more transcripts); c.603T>C, p.Tyr201= (NM_001127511.3, NM_001354897.2, NM_001354902.2); c.498T>C, p.Tyr166= (NM_001354898.2, NM_001354904.2); c.396T>C, p.Tyr132= (NM_001354900.2, NM_001354901.2, NM_001354905.2); c.-463T>C (NM_001354906.2).
Identifiers: ClinVar variation 215430 (VCV000215430.57), dbSNP rs185154886, ClinGen allele CA042785.

ClinVar aggregate classification (germline): Benign/Likely benign. Review status: criteria provided, multiple submitters, no conflicts (2 of 4 stars). 16 submissions from 16 submitters: Benign (4); Likely benign (9). 3 of the submissions do not count toward it. Last evaluated 2026-02-04.

Conditions:
APC-related disorder. Also called: APC-related condition.
Desmoid disease, hereditary (DESMD). Also called: FIBROMATOSIS, FAMILIAL INFILTRATIVE. Identifiers: Orphanet 873, MedGen C1851124, OMIM 135290. Disease mechanism: loss of function.
Familial adenomatous polyposis 1 (FAP1). Also called: FAMILIAL ADENOMATOUS POLYPOSIS 1, ATTENUATED; POLYPOSIS, ADENOMATOUS INTESTINAL. Identifiers: MedGen C2713442, MONDO:0021056, OMIM 175100. Disease mechanism: loss of function.
Hepatocellular carcinoma (HCC). Also called: Primary carcinoma of liver; HEPATOMA; LIVER CELL CARCINOMA. Identifiers: Orphanet 88673, MedGen C2239176, MONDO:0007256, OMIM 114550, HP:0001402.
Gastric cancer. Also called: Stomach cancer; Malignant tumor of stomach. Identifiers: MedGen C0024623, MeSH D013274, MONDO:0001056, OMIM 613659, HP:0012126.
Colorectal cancer. Also called: Malignant Colorectal Neoplasm; Colorectal cancer, somatic. Identifiers: MedGen C0346629, MONDO:0005575, OMIM 114500.
Gastric adenocarcinoma and proximal polyposis of the stomach (GAPPS). Also called: POLYPOSIS, GASTRIC; Gastric Adenocarcinoma and Proximal Polyposis of the Stomach (GAPPS); Polyposis, gastric, Dos Santos and de Magalhaes 1980. Identifiers: Orphanet 314022, MedGen C4749917, MONDO:0017790, OMIM 619182.
APC-Associated Polyposis Disorders.
Hereditary cancer-predisposing syndrome. Also called: Tumor predisposition; Neoplastic Syndromes, Hereditary; Hereditary Cancer Syndrome; Hereditary neoplastic syndrome. Identifiers: Orphanet 140162, MedGen C0027672, MeSH D009386, MONDO:0015356.

Allele frequency attached by ClinVar (database versions not stated): gnomAD exomes 0.00006 and 0.00035; gnomAD 0.00008 and 0.00009; TOPMed 0.00014; ExAC 0.00034; 1000 Genomes Project 0.00060; 1000 Genomes Project 30x 0.00062.
gnomAD v4.1: 101 of 1,613,542 alleles (0.0063%); highest among the groups gnomAD compares: East Asian, 0.2%; no homozygotes.

Submissions (16):

Labcorp Genetics (formerly Invitae), Labcorp
Classification: Benign for Familial adenomatous polyposis 1. Last evaluated: 2026-02-04. Review status: criteria provided, single submitter. Criteria: Invitae Variant Classification Sherloc (09022015). Collection method: clinical testing. Allele origin: germline.

Blueprint Genetics
Classification: Likely benign. Last evaluated: 2024-06-12. Review status: criteria provided, single submitter. Criteria: ACMG Guidelines, 2015. Collection method: clinical testing. Allele origin: germline.

Institute for Biomarker Research, Medical Diagnostic Laboratories, L.L.C.
Classification: Benign for Hereditary cancer-predisposing syndrome. Last evaluated: 2024-03-12. Review status: criteria provided, single submitter. Criteria: ACMG Guidelines, 2015. Collection method: clinical testing. Allele origin: germline.

Myriad Genetics, Inc.
Classification: Benign for Familial adenomatous polyposis 1. Last evaluated: 2024-02-23. Review status: criteria provided, single submitter. Criteria: Myriad Autosomal Dominant, Autosomal Recessive and X-Linked Classification Criteria (2023). Collection method: clinical testing. Allele origin: unknown.
Comment: This variant is considered benign. This variant is a silent/synonymous amino acid change and it is not expected to impact splicing.

Department of Pathology and Laboratory Medicine, Sinai Health System
Classification: Likely benign for Familial adenomatous polyposis 1; Desmoid disease, hereditary. Last evaluated: 2024-02-07. Review status: criteria provided, single submitter. Criteria: ACMG Guidelines, 2015. Collection method: clinical testing. Allele origin: germline. Affected: yes.

CeGaT Center for Human Genetics Tuebingen
Classification: Likely benign. Last evaluated: 2023-03-01. Review status: criteria provided, single submitter. Criteria: CeGaT Center For Human Genetics Tuebingen Variant Classification Criteria Version 2. Collection method: clinical testing. Allele origin: germline. Affected: yes. Observed: 1 variant allele.
Comment: APC: BP4, BS1

Fulgent Genetics
Classification: Likely benign for Colorectal cancer; Hepatocellular carcinoma; Desmoid disease, hereditary; Familial adenomatous polyposis 1; Gastric cancer; Gastric adenocarcinoma and proximal polyposis of the stomach. Last evaluated: 2022-05-17. Review status: criteria provided, single submitter. Criteria: ACMG Guidelines, 2015. Collection method: clinical testing. Allele origin: unknown.

Sema4
Classification: Likely benign for Hereditary cancer-predisposing syndrome. Last evaluated: 2021-07-16. Review status: criteria provided, single submitter. Criteria: Sema4 Curation Guidelines. Collection method: curation. Allele origin: germline.

GeneDx
Classification: Likely benign. Last evaluated: 2019-12-03. Review status: criteria provided, single submitter. Criteria: GeneDx Variant Classification Process June 2021. Collection method: clinical testing. Allele origin: germline. Affected: yes.
Comment: This variant is associated with the following publications: (PMID: 26447891, 27028212, 26900293)

Illumina Laboratory Services, Illumina
Classification: Likely benign for APC-Associated Polyposis Disorders. Last evaluated: 2017-04-27. Review status: criteria provided, single submitter. Criteria: ICSL Variant Classification Criteria 13 December 2019. Collection method: clinical testing. Allele origin: germline.
Comment: This variant was observed as part of a predisposition screen in an ostensibly healthy population. A literature search was performed for the gene, cDNA change, and amino acid change (where applicable). No publications were found based on this search. Allele frequency data from public databases allowed determination this variant is unlikely to cause disease. Therefore, this variant is classified as likely benign.

Quest Diagnostics Nichols Institute San Juan Capistrano
Classification: Likely benign. Last evaluated: 2017-02-03. Review status: criteria provided, single submitter. Criteria: Quest Diagnostics criteria. Collection method: clinical testing. Allele origin: germline.

Color Diagnostics, LLC DBA Color Health
Classification: Benign for Hereditary cancer-predisposing syndrome. Last evaluated: 2016-03-26. Review status: criteria provided, single submitter. Criteria: ACMG Guidelines, 2015. Collection method: clinical testing. Allele origin: germline.

Ambry Genetics
Classification: Likely benign for Hereditary cancer-predisposing syndrome. Last evaluated: 2015-01-05. Review status: criteria provided, single submitter. Criteria: Ambry Variant Classification Scheme 2023. Collection method: clinical testing. Allele origin: germline.

PreventionGenetics, part of Exact Sciences
Classification: Benign for APC-related condition. Last evaluated: 2019-10-16. Review status: no assertion criteria provided. Collection method: clinical testing. Allele origin: germline. Not counted in ClinVar's aggregate classification.
Comment: This variant is classified as benign based on ACMG/AMP sequence variant interpretation guidelines (Richards et al. 2015 PMID: 25741868, with internal and published modifications).

Clinical Genetics DNA and cytogenetics Diagnostics Lab, Erasmus MC, Erasmus Medical Center
Classification: Benign. Review status: no assertion criteria provided. Collection method: clinical testing. Allele origin: germline. Affected: yes. Study: VKGL Data-share Consensus. Not counted in ClinVar's aggregate classification.

Genome Diagnostics Laboratory, University Medical Center Utrecht
Classification: Likely benign. Review status: no assertion criteria provided. Collection method: clinical testing. Allele origin: germline. Affected: yes. Study: VKGL Data-share Consensus. Not counted in ClinVar's aggregate classification.

Literature cited by the submitters: PubMed 27028212 (cited by Department of Pathology and Laboratory Medicine, Sinai Health System and Quest Diagnostics Nichols Institute San Juan Capistrano); PubMed 26900293 (cited by Department of Pathology and Laboratory Medicine, Sinai Health System and Quest Diagnostics Nichols Institute San Juan Capistrano); PubMed 26447891 (cited by Quest Diagnostics Nichols Institute San Juan Capistrano).